The following is an entry in ClinVar:

ClinVar aggregate classification (germline): Benign (1 of 4 stars; one submission).

Conditions:
Diaphyseal medullary stenosis-bone malignancy syndrome. Also called: MYOPATHY, LIMB-GIRDLE, WITH BONE FRAGILITY; BONE DYSPLASIA WITH MALIGNANT FIBROUS HISTIOCYTOMA; BONE DYSPLASIA WITH MEDULLARY FIBROSARCOMA. Identifiers: Orphanet 85182, MedGen C1862177, MONDO:0007205, OMIM 112250.

Allele frequency attached by ClinVar (database versions not stated): 1000 Genomes Project 0.00100; 1000 Genomes Project 30x 0.00125; gnomAD 0.00172; TOPMed 0.00202.
gnomAD v4.1: 2,107 of 592,866 alleles (0.36%); highest among the groups gnomAD compares: Admixed American, 0.42%; 8 homozygotes.

Submission:

Illumina Laboratory Services, Illumina
Classification: Benign for Diaphyseal medullary stenosis-bone malignancy syndrome. Last evaluated: 2018-01-12. Review status: criteria provided, single submitter. Criteria: ICSL Variant Classification Criteria 13 December 2019. Collection method: clinical testing. Allele origin: germline.
Comment: This variant was observed in the ICSL laboratory as part of a predisposition screen in an ostensibly healthy population. It had not been previously curated by ICSL or reported in the Human Gene Mutation Database (HGMD: prior to June 1st, 2018), and was therefore a candidate for classification through an automated scoring system. Utilizing variant allele frequency, disease prevalence and penetrance estimates, and inheritance mode, an automated score was calculated to assess if this variant is too frequent to cause the disease. Based on the score and internal cut-off values, a variant classified as benign is not then subjected to further curation. The score for this variant resulted in a classification of benign for this disease.

NM_002451.4(MTAP):c.*3307G>T

Gene: MTAP (methylthioadenosine phosphorylase; plus strand). Cytogenetic location: 9p21.3.
Variant type: single nucleotide variant.
Coding change: c.*3307G>T on transcript NM_002451.4 (MANE Select); 3307 bases downstream of the stop codon, G replaced by T.
Molecular consequence: 3 prime UTR variant.
Genome position (GRCh38, 1-based): chr9:21,865,321, G>T. VCF-style: chr9-21865321-G-T. GRCh37 (hg19) VCF-style: chr9-21865320-G-T.
Identifiers: ClinVar variation 366310 (VCV000366310.5), dbSNP rs41270139, ClinGen allele CA10633560.